The following is an entry in ClinVar:

NM_001164508.2(NEB):c.19476C>T (p.Ile6492=)

Genes: NEB (nebulin; minus strand), LOC126806373 (BRD4-independent group 4 enhancer GRCh37_chr2:152410007-152411206; plus strand). Cytogenetic location: 2q23.3.
Variant type: single nucleotide variant.
Coding change: c.19476C>T on transcript NM_001164508.2 (MANE Select); coding-DNA position 19476, C replaced by T.
Protein change: p.Ile6492=; no amino-acid change (isoleucine 6492 retained).
Molecular consequence: synonymous variant.
Genome position (GRCh38, 1-based): chr2:151,553,978, G>A on the plus strand (C>T on the coding strand, the complement: NEB is on the minus strand). VCF-style: chr2-151553978-G-A. GRCh37 (hg19) VCF-style: chr2-152410492-G-A.
Other names: c.19476C>T, p.Ile6492= (NM_001164507.2, NM_001271208.2); c.14373C>T, p.Ile4791= (NM_004543.5).
Identifiers: ClinVar variation 705301 (VCV000705301.40), dbSNP rs113068669, ClinGen allele CA1907626.

ClinVar aggregate classification (germline): Likely benign. Review status: criteria provided, multiple submitters, no conflicts (2 of 4 stars). 5 submissions from 5 submitters: Likely benign (3). 2 of the submissions do not count toward it. Last evaluated 2025-12-03.

Conditions:
NEB-related disorder. Also called: NEB-Related Disorders; NEB-related condition.
Nemaline myopathy 2 (NEM2). Also called: Nemaline myopathy 2, autosomal recessive. Identifiers: MedGen C1850569, MONDO:0009725, OMIM 256030.

Allele frequency attached by ClinVar (database versions not stated): gnomAD 0.00004; TOPMed 0.00005; gnomAD exomes 0.00006 and 0.00009; ExAC 0.00007.
gnomAD v4.1: 150 of 1,613,730 alleles (0.0093%); highest among the groups gnomAD compares: Non-Finnish European, 0.011%; no homozygotes.

Submissions (5):

Labcorp Genetics (formerly Invitae), Labcorp
Classification: Likely benign for Nemaline myopathy 2. Last evaluated: 2025-12-03. Review status: criteria provided, single submitter. Criteria: Invitae Variant Classification Sherloc (09022015). Collection method: clinical testing. Allele origin: germline.

Blueprint Genetics
Classification: Likely benign. Last evaluated: 2024-08-28. Review status: criteria provided, single submitter. Criteria: ACMG Guidelines, 2015. Collection method: clinical testing. Allele origin: germline.

CeGaT Center for Human Genetics Tuebingen
Classification: Likely benign. Last evaluated: 2023-10-01. Review status: criteria provided, single submitter. Criteria: CeGaT Center For Human Genetics Tuebingen Variant Classification Criteria Version 2. Collection method: clinical testing. Allele origin: germline. Affected: yes. Observed: 1 variant allele.
Comment: NEB: BP4, BP7

Natera, Inc.
Classification: Likely benign for Nemaline myopathy type 2. Last evaluated: 2020-09-16. Review status: no assertion criteria provided. Collection method: clinical testing. Allele origin: germline. Not counted in ClinVar's aggregate classification.

PreventionGenetics, part of Exact Sciences
Classification: Likely benign for NEB-related condition. Last evaluated: 2019-04-16. Review status: no assertion criteria provided. Collection method: clinical testing. Allele origin: germline. Not counted in ClinVar's aggregate classification.
Comment: This variant is classified as likely benign based on ACMG/AMP sequence variant interpretation guidelines (Richards et al. 2015 PMID: 25741868, with internal and published modifications).